The following is an entry in ClinVar:

NM_174936.4(PCSK9):c.136C>A (p.Arg46Ser)

Gene: PCSK9 (proprotein convertase subtilisin/kexin type 9; plus strand). Cytogenetic location: 1p32.3.
Variant type: single nucleotide variant.
Coding change: c.136C>A on transcript NM_174936.4 (MANE Select); coding-DNA position 136, C replaced by A.
Protein change: p.Arg46Ser; replaces arginine 46 with serine.
Molecular consequence: missense variant. On other transcripts: non-coding transcript variant (8), 5 prime UTR variant (1).
Genome position (GRCh38, 1-based): chr1:55,039,973, C>A. VCF-style: chr1-55039973-C-A. GRCh37 (hg19) VCF-style: chr1-55505646-C-A.
Other names: c.136C>A, p.Arg46Ser (NM_001407247.1, NM_001407240.1, NM_001407241.1 and 4 more transcripts); c.-599C>A (NM_001407246.1); short protein forms R46S.
Identifiers: ClinVar variation 3073993 (VCV003073993.1), dbSNP rs747713772, ClinGen allele CA340482845.

ClinVar aggregate classification (germline): Uncertain significance (1 of 4 stars; one submission).

Conditions:
Hypercholesterolemia, autosomal dominant, 3 (FHCL3). Also called: Familial Hypercholesterolemia, Autosomal Dominant, 3; PCSK9-Related Familial Hypercholesterolemia, Autosomal Dominant; Familial hypercholesterolemia 3. Identifiers: MedGen C1863551, MONDO:0011369, OMIM 603776.

Submission:

All of Us Research Program, National Institutes of Health
Classification: Uncertain significance for Hypercholesterolemia, autosomal dominant, 3. Last evaluated: 2023-11-30. Review status: criteria provided, single submitter. Criteria: ACMG Guidelines, 2015. Collection method: clinical testing. Allele origin: germline. Inheritance: Autosomal dominant inheritance. Observed: 1 variant allele, 1 heterozygote.
Comment: This study involves interpretation of variants in research participants for the purpose of population health screening. Participant phenotype was not available at the time of variant classification. Additional details can be found in publication PMID: 35346344, PMCID: PMC8962531